The following is an entry in ClinVar:

ClinVar aggregate classification (germline): Pathogenic (1 of 4 stars; one submission).

Conditions:
Hereditary nonpolyposis colorectal neoplasms. Identifiers: MedGen C0009405, MeSH D003123.

Submission:

Labcorp Genetics (formerly Invitae), Labcorp
Classification: Pathogenic for Hereditary nonpolyposis colorectal neoplasms. Last evaluated: 2020-03-28. Review status: criteria provided, single submitter. Criteria: Invitae Variant Classification Sherloc (09022015). Collection method: clinical testing. Allele origin: germline.
Comment: For these reasons, this variant has been classified as Pathogenic. Loss-of-function variants in MSH6 are known to be pathogenic (PMID: 18269114, 24362816). This variant has not been reported in the literature in individuals with MSH6-related conditions. This variant is not present in population databases (ExAC no frequency). This sequence change creates a premature translational stop signal (p.Gly31Alafs*50) in the MSH6 gene. It is expected to result in an absent or disrupted protein product.

Literature cited by the submitters: PubMed 18269114; PubMed 24362816.

NM_000179.3(MSH6):c.92del (p.Gly31fs)

Gene: MSH6 (mutS homolog 6; plus strand). Cytogenetic location: 2p16.3.
Variant type: Deletion.
Coding change: c.92del on transcript NM_000179.3 (MANE Select); coding-DNA position 92, one base deleted (G; older notation c.92delG).
Protein change: p.Gly31fs; shifts the reading frame from glycine 31.
Molecular consequence: frameshift variant. On other transcripts: 5 prime UTR variant (1).
Genome position (GRCh38, 1-based): chr2:47,783,325, G deleted; the last of 2 consecutive G bases (chr2:47,783,324-47,783,325); deleting either gives the same sequence. VCF-style (leftmost placement, unchanged base first): chr2-47783323-AG-A. GRCh37 (hg19) VCF-style: chr2-48010462-AG-A.
Other names: c.92del, p.Gly31fs (NM_001281492.2); c.-645del (NM_001281493.2); short protein forms G31fs.
Identifiers: ClinVar variation 1069422 (VCV001069422.7), dbSNP rs2103935655, ClinGen allele CA2499216082.
Genomic context (GRCh38, chr2:47,783,323, plus strand): 5'-CTTCCCCAAGTCTCCGGCGCTGAGTGATGCCAACAAGGCCTCGGCCAGGGCCTCACGCGA[AG>A]GCGGCCGTGCCGCCGCTGCCCCCGGGGCCTCTCCTTCCCCAGGCGGGGATGCGGCCTGGA-3'